The following is an entry in ClinVar:

NM_014270.5(SLC7A9):c.423T>A (p.Tyr141Ter)

Gene: SLC7A9 (solute carrier family 7 member 9; minus strand). Cytogenetic location: 19q13.11.
Variant type: single nucleotide variant.
Coding change: c.423T>A on transcript NM_014270.5 (MANE Select); coding-DNA position 423, T replaced by A.
Protein change: p.Tyr141Ter; replaces tyrosine 141 with a stop codon.
Molecular consequence: nonsense.
Genome position (GRCh38, 1-based): chr19:32,864,151, A>T on the plus strand (T>A on the coding strand, the complement: SLC7A9 is on the minus strand). VCF-style: chr19-32864151-A-T. GRCh37 (hg19) VCF-style: chr19-33355057-A-T.
Other names: c.423T>A, p.Tyr141Ter (NM_001243036.2, NM_001126335.2); short protein forms Y141*.
Identifiers: ClinVar variation 5019066 (VCV005019066.2).

ClinVar aggregate classification (germline): Likely pathogenic (1 of 4 stars; one submission).

Conditions:
Cystinuria (CSNU). Also called: Cystinuria, non-type I; CYSTINURIA, TYPE I; CYSTINURIA, TYPE II; CYSTINURIA, TYPE III. Identifiers: Orphanet 214, MedGen C0010691, MONDO:0009067, OMIM 220100, HP:0003131.

Submission:

Juno Genomics, Hangzhou Juno Genomics, Inc
Classification: Likely pathogenic for Cystinuria. Review status: criteria provided, single submitter. Criteria: ACMG Guidelines, 2015. Collection method: clinical testing. Allele origin: germline.
Comment: Absent from controls (or at extremely low frequency if recessive) in Genome Aggregation Database.;Null variant in a gene where loss of function (LOF) is a known mechanism of disease.